The following is an entry in ClinVar:

NM_177402.5(SYT2):c.179-1G>A

Gene: SYT2 (synaptotagmin 2; minus strand). Cytogenetic location: 1q32.1.
Variant type: single nucleotide variant.
Coding change: c.179-1G>A on transcript NM_177402.5 (MANE Select); the canonical splice acceptor site of the intron before coding-DNA position 179, G replaced by A.
Molecular consequence: splice acceptor variant.
Genome position (GRCh38, 1-based): chr1:202,604,622, C>T on the plus strand (G>A on the coding strand, the complement: SYT2 is on the minus strand). VCF-style: chr1-202604622-C-T. GRCh37 (hg19) VCF-style: chr1-202573750-C-T.
Other names: c.179-1G>A (NM_001136504.1).
Identifiers: ClinVar variation 2631391 (VCV002631391.1), dbSNP rs1690636110, ClinGen allele CA344259542.
Genomic context (GRCh38, chr1:202,604,622, plus strand): 5'-AGCAGGTGAGAAGCAGGAGCCCAGCAACCACAGCAATGGCGATCAGTGCCCAGGGTGGTA[C>T]TGCCCACACAGAGAAGATCCCAGGGTCAGCAGTGCCATGCCTTGCAGCCCCTGACCCCGT-3'

ClinVar aggregate classification (germline): Likely pathogenic (1 of 4 stars; one submission).

Conditions:
SYT2-related disorder. Also called: SYT2-related condition.

Allele frequency attached by ClinVar (database versions not stated): TOPMed below 0.00001.

Submission:

PreventionGenetics, part of Exact Sciences
Classification: Likely pathogenic for SYT2-related condition. Last evaluated: 2023-08-06. Review status: criteria provided, single submitter. Criteria: ACMG Guidelines, 2015. Collection method: clinical testing. Allele origin: germline.
Comment: The SYT2 c.179-1G>A variant is predicted to disrupt the AG splice acceptor site and interfere with normal splicing. To our knowledge, this variant has not been reported in the literature or in a large population database, indicating this variant is rare. Variants that disrupt the consensus splice acceptor site in SYT2 are expected to be pathogenic. This variant is interpreted as likely pathogenic; however, given the uncertainty of biological impact we cannot determine if this variant would cause autosomal dominant or recessive disease.